The following is an entry in ClinVar:

ClinVar aggregate classification (germline): Pathogenic (1 of 4 stars; one submission).

Conditions:
Pheochromocytoma/paraganglioma syndrome 5. Also called: Paragangliomas 5; SDHA-Related Hereditary Paraganglioma-Pheochromocytoma Syndrome. Identifiers: Orphanet 29072, MedGen C3279992, MONDO:0013602, OMIM 614165.
Mitochondrial complex II deficiency, nuclear type 1. Also called: SUCCINATE CoQ REDUCTASE DEFICIENCY. Identifiers: Orphanet 3208, MedGen C5700310, MONDO:0100294, OMIM 252011.

Submission:

Labcorp Genetics (formerly Invitae), Labcorp
Classification: Pathogenic for Pheochromocytoma/paraganglioma syndrome 5; Mitochondrial complex II deficiency, nuclear type 1. Last evaluated: 2018-12-01. Review status: criteria provided, single submitter. Criteria: Invitae Variant Classification Sherloc (09022015). Collection method: clinical testing. Allele origin: germline.
Comment: Loss-of-function variants in SDHA are known to be pathogenic (PMID: 22974104, 24781757). This variant has not been reported in the literature in individuals with SDHA-related disease. This variant is not present in population databases (ExAC no frequency). This sequence change creates a premature translational stop signal (p.Glu314Aspfs*34) in the SDHA gene. It is expected to result in an absent or disrupted protein product. For these reasons, this variant has been classified as Pathogenic.

Literature cited by the submitters: PubMed 22974104; PubMed 24781757.

NM_004168.4(SDHA):c.942_945delinsTCC (p.Glu314fs)

Gene: SDHA (succinate dehydrogenase complex flavoprotein subunit A; plus strand). Cytogenetic location: 5p15.33.
Variant type: Indel.
Coding change: c.942_945delinsTCC on transcript NM_004168.4 (MANE Select); coding-DNA positions 942 to 945, GGGA replaced by TCC.
Protein change: p.Glu314fs; shifts the reading frame from glutamic acid 314.
Molecular consequence: frameshift variant.
Genome position (GRCh38, 1-based): chr5:233,523-233,526, GGGA replaced by TCC. VCF-style: chr5-233523-GGGA-TCC. GRCh37 (hg19) VCF-style: chr5-233638-GGGA-TCC.
Other names: c.798_801delinsTCC, p.Glu266fs (NM_001294332.2); c.942_945delinsTCC, p.Glu314fs (NM_001330758.2); short protein forms E266fs, E314fs.
Identifiers: ClinVar variation 657145 (VCV000657145.6), dbSNP rs1579402188, ClinGen allele CA915943264.